The following is an entry in ClinVar:

ClinVar aggregate classification (germline): Uncertain significance (1 of 4 stars; one submission).

Allele frequency attached by ClinVar (database versions not stated): gnomAD exomes 0.00001; ESP Exome Variant Server 0.00008; ExAC 0.00010; TOPMed 0.00019; gnomAD 0.00021.
gnomAD v4.1: 158 of 1,613,812 alleles (0.0098%); highest among the groups gnomAD compares: East Asian, 0.045%; 5 homozygotes.

Submission:

Ambry Genetics
Classification: Uncertain significance. Last evaluated: 2025-12-22. Review status: criteria provided, single submitter. Criteria: Ambry Variant Classification Scheme 2023. Collection method: clinical testing. Allele origin: germline.
Comment: The c.1237G>A (p.A413T) alteration is located in exon 12 (coding exon 12) of the MUS81 gene. This alteration results from a G to A substitution at nucleotide position 1237, causing the alanine (A) at amino acid position 413 to be replaced by a threonine (T). Based on data from gnomAD, the A allele has an overall frequency of 0.006% (18/282336) total alleles studied. The highest observed frequency was 0.045% (9/19948) of East Asian alleles. Based on insufficient or conflicting evidence, the clinical significance of this alteration remains unclear.

NM_025128.5(MUS81):c.1237G>A (p.Ala413Thr)

Gene: MUS81 (MUS81 structure-specific endonuclease subunit; plus strand). Cytogenetic location: 11q13.1.
Variant type: single nucleotide variant.
Coding change: c.1237G>A on transcript NM_025128.5 (MANE Select); coding-DNA position 1237, G replaced by A.
Protein change: p.Ala413Thr; replaces alanine 413 with threonine.
Molecular consequence: missense variant. On other transcripts: non-coding transcript variant (1).
Genome position (GRCh38, 1-based): chr11:65,864,780, G>A. VCF-style: chr11-65864780-G-A. GRCh37 (hg19) VCF-style: chr11-65632251-G-A.
Other names: c.1240G>A, p.Ala414Thr (NM_001350283.2); short protein forms A413T, A414T.
Identifiers: ClinVar variation 2343237 (VCV002343237.3), dbSNP rs373098979, ClinGen allele CA6110115.